The following is an entry in ClinVar:

NM_001845.6(COL4A1):c.3262G>A (p.Gly1088Arg)

Gene: COL4A1 (collagen type IV alpha 1 chain; minus strand). Cytogenetic location: 13q34.
Variant type: single nucleotide variant.
Coding change: c.3262G>A on transcript NM_001845.6 (MANE Select); coding-DNA position 3262, G replaced by A.
Protein change: p.Gly1088Arg; replaces glycine 1088 with arginine.
Molecular consequence: missense variant.
Genome position (GRCh38, 1-based): chr13:110,174,686, C>T on the plus strand (G>A on the coding strand, the complement: COL4A1 is on the minus strand). VCF-style: chr13-110174686-C-T. GRCh37 (hg19) VCF-style: chr13-110827033-C-T.
Other names: short protein forms G1088R.
Identifiers: ClinVar variation 2001047 (VCV002001047.4), dbSNP rs2501771081, ClinGen allele CA388664626.

ClinVar aggregate classification (germline): Likely pathogenic (1 of 4 stars; one submission).

Submission:

Labcorp Genetics (formerly Invitae), Labcorp
Classification: Likely pathogenic. Last evaluated: 2024-10-23. Review status: criteria provided, single submitter. Criteria: Invitae Variant Classification Sherloc (09022015). Collection method: clinical testing. Allele origin: germline.
Comment: This sequence change replaces glycine, which is neutral and non-polar, with arginine, which is basic and polar, at codon 1088 of the COL4A1 protein (p.Gly1088Arg). This variant is not present in population databases (gnomAD no frequency). This variant has not been reported in the literature in individuals affected with COL4A1-related conditions. ClinVar contains an entry for this variant (Variation ID: 2001047). Invitae Evidence Modeling of protein sequence and biophysical properties (such as structural, functional, and spatial information, amino acid conservation, physicochemical variation, residue mobility, and thermodynamic stability) indicates that this missense variant is expected to disrupt COL4A1 protein function with a positive predictive value of 95%. This variant disrupts the triple helix domain of COL4A1. Glycine residues within the Gly-Xaa-Yaa repeats of the triple helix domain are required for the structure and stability of fibrillar collagens (PMID: 7695699, 8218237, 19344236). In COL4A1 variants affecting these glycine residues are significantly enriched in individuals with disease (PMID: 9016532, 17078022) compared to the general population (ExAC). In summary, the currently available evidence indicates that the variant is pathogenic, but additional data are needed to prove that conclusively. Therefore, this variant has been classified as Likely Pathogenic.

Literature cited by the submitters: PubMed 7695699; PubMed 8218237; PubMed 19344236; PubMed 9016532; PubMed 17078022.